The following is an entry in ClinVar:

ClinVar aggregate classification (germline): Likely benign. Review status: criteria provided, multiple submitters, no conflicts (2 of 4 stars). 3 submissions from 3 submitters: Likely benign (2). 1 of the submissions does not count toward it. Last evaluated 2024-04-11.

Conditions:
PALLD-related disorder. Also called: PALLD-related condition.
Pancreatic cancer, susceptibility to, 1. Identifiers: Orphanet 1333, MedGen C1847351, MONDO:0011739, OMIM 606856.

Allele frequency attached by ClinVar (database versions not stated): ExAC 0.00027; 1000 Genomes Project 30x 0.00031; ESP Exome Variant Server 0.00031; 1000 Genomes Project 0.00040; gnomAD exomes 0.00042; TOPMed 0.00056; gnomAD 0.00059.
gnomAD v4.1: 686 of 1,614,198 alleles (0.042%); highest among the groups gnomAD compares: Admixed American, 0.12%; no homozygotes.

Submissions (3):

Fulgent Genetics
Classification: Likely benign for Pancreatic cancer, susceptibility to, 1. Last evaluated: 2024-04-11. Review status: criteria provided, single submitter. Criteria: ACMG Guidelines, 2015. Collection method: clinical testing. Allele origin: germline.

Ambry Genetics
Classification: Likely benign. Last evaluated: 2022-09-30. Review status: criteria provided, single submitter. Criteria: Ambry Variant Classification Scheme 2023. Collection method: clinical testing. Allele origin: germline.

PreventionGenetics, part of Exact Sciences
Classification: Likely benign for PALLD-related condition. Last evaluated: 2023-01-26. Review status: no assertion criteria provided. Collection method: clinical testing. Allele origin: germline. Not counted in ClinVar's aggregate classification.
Comment: This variant is classified as likely benign based on ACMG/AMP sequence variant interpretation guidelines (Richards et al. 2015 PMID: 25741868, with internal and published modifications).

NM_001166108.2(PALLD):c.467C>T (p.Thr156Met)

Gene: PALLD (palladin, cytoskeletal associated protein; plus strand). Cytogenetic location: 4q32.3.
Variant type: single nucleotide variant.
Coding change: c.467C>T on transcript NM_001166108.2 (MANE Select); coding-DNA position 467, C replaced by T.
Protein change: p.Thr156Met; replaces threonine 156 with methionine.
Molecular consequence: missense variant.
Genome position (GRCh38, 1-based): chr4:168,511,971, C>T. VCF-style: chr4-168511971-C-T. GRCh37 (hg19) VCF-style: chr4-169433122-C-T.
Other names: c.467C>T, p.Thr156Met (NM_016081.4); short protein forms T156M.
Identifiers: ClinVar variation 1742382 (VCV001742382.5), dbSNP rs114877850, ClinGen allele CA3135374.